The following is an entry in ClinVar:

NM_206943.4(LTBP1):c.824C>T (p.Pro275Leu)

Gene: LTBP1 (latent transforming growth factor beta binding protein 1; plus strand). Cytogenetic location: 2p22.3.
Variant type: single nucleotide variant.
Coding change: c.824C>T on transcript NM_206943.4 (MANE Select); coding-DNA position 824, C replaced by T.
Protein change: p.Pro275Leu; replaces proline 275 with leucine.
Molecular consequence: missense variant.
Genome position (GRCh38, 1-based): chr2:33,021,167, C>T. VCF-style: chr2-33021167-C-T. GRCh37 (hg19) VCF-style: chr2-33246234-C-T.
Other names: c.824C>T, p.Pro275Leu (NM_001394905.1); short protein forms P275L.
Identifiers: ClinVar variation 2498814 (VCV002498814.28), dbSNP rs148206651, ClinGen allele CA1606861.
Genomic context (GRCh38, chr2:33,021,167, plus strand): 5'-AGAAGGCAGACACTCTACCAAGAGTCAGCCCTGTGGCCCAGATGACCTTAACCCTCAAGC[C>T]GAAGCCTTCAGTGGGACTCCCCCAGCAGATACATTCTCAGTGAGTGTTTCGAACTTTCAT-3'
Protein context (NP_996826.3, residues 265-285): PVAQMTLTLK[Pro275Leu]KPSVGLPQQI

ClinVar aggregate classification (germline): Likely benign (1 of 4 stars; one submission).

Allele frequency attached by ClinVar (database versions not stated): ESP Exome Variant Server 0.00054; 1000 Genomes Project 0.00060; 1000 Genomes Project 30x 0.00047; ExAC 0.00049.
gnomAD v4.1: 1,896 of 1,609,256 alleles (0.12%); highest among the groups gnomAD compares: Non-Finnish European, 0.14%; 4 homozygotes.

Submission:

CeGaT Center for Human Genetics Tuebingen
Classification: Likely benign. Last evaluated: 2026-08-01. Review status: criteria provided, single submitter. Criteria: CeGaT Center For Human Genetics Tuebingen Variant Classification Criteria Version 2. Collection method: clinical testing. Allele origin: germline. Affected: yes. Observed: 3 variant alleles.
Comment: LTBP1: BS2